The following is an entry in ClinVar:

ClinVar aggregate classification (germline): Uncertain significance (1 of 4 stars; one submission).

Conditions:
PROS1-related disorder. Also called: PROS1-related condition.

gnomAD v4.1: 5 of 1,612,306 alleles (0.00031%); highest among the groups gnomAD compares: Middle Eastern, 0.022%; no homozygotes.

Submission:

PreventionGenetics, part of Exact Sciences
Classification: Uncertain significance for PROS1-related condition. Last evaluated: 2025-11-11. Review status: criteria provided, single submitter. Criteria: ACMG Guidelines, 2015. Collection method: clinical testing. Allele origin: germline.
Comment: The PROS1 c.224A>T variant is predicted to result in the amino acid substitution p.Asp75Val. To our knowledge, this variant has not been reported in the literature. This variant is reported in 0.0065% of alleles in individuals of European (Non-Finnish) descent in gnomAD. At this time, the clinical significance of this variant is uncertain due to the absence of conclusive functional and genetic evidence.

NM_000313.4(PROS1):c.224A>T (p.Asp75Val)

Gene: PROS1 (protein S; minus strand). Cytogenetic location: 3q11.1.
Variant type: single nucleotide variant.
Coding change: c.224A>T on transcript NM_000313.4 (MANE Select); coding-DNA position 224, A replaced by T.
Protein change: p.Asp75Val; replaces aspartic acid 75 with valine.
Molecular consequence: missense variant.
Genome position (GRCh38, 1-based): chr3:93,927,260, T>A on the plus strand (A>T on the coding strand, the complement: PROS1 is on the minus strand). VCF-style: chr3-93927260-T-A. GRCh37 (hg19) VCF-style: chr3-93646104-T-A.
Other names: c.320A>T, p.Asp107Val (NM_001314077.2); short protein forms D107V, D75V.
Identifiers: ClinVar variation 4979449 (VCV004979449.1).